The following is an entry in ClinVar:

NM_000789.4(ACE):c.3521del (p.Gly1174fs)

Gene: ACE (angiotensin I converting enzyme; plus strand). Cytogenetic location: 17q23.3.
Variant type: Deletion.
Coding change: c.3521del on transcript NM_000789.4 (MANE Select); coding-DNA position 3521, one base deleted (G; older notation c.3521delG).
Protein change: p.Gly1174fs; shifts the reading frame from glycine 1174.
Molecular consequence: frameshift variant. On other transcripts: non-coding transcript variant (1).
Genome position (GRCh38, 1-based): chr17:63,496,815, G deleted; the last of 3 consecutive G bases (chr17:63,496,813-63,496,815); deleting any one gives the same sequence. VCF-style (leftmost placement, unchanged base first): chr17-63496812-TG-T. GRCh37 (hg19) VCF-style: chr17-61574173-TG-T.
Other names: c.3521delG (NM_000789.3); c.3521del (NM_000789.3); c.1676del, p.Gly559fs (NM_001178057.2); c.2954del, p.Gly985fs (NM_001382700.1); c.2669del, p.Gly890fs (NM_001382701.1); c.1136del, p.Gly379fs (NM_001382702.1); c.1799del, p.Gly600fs (NM_152830.3); short protein forms G1174fs, G379fs, G559fs, G600fs, G890fs, G985fs.
Identifiers: ClinVar variation 998355 (VCV000998355.9), dbSNP rs754265941, ClinGen allele CA8700541.

ClinVar aggregate classification (germline): Conflicting classifications of pathogenicity. Review status: criteria provided, conflicting classifications (1 of 4 stars). 6 submissions from 6 submitters: Pathogenic (3); Likely pathogenic (1); Uncertain significance (1). 1 of the submissions does not count toward it. Last evaluated 2026-03-03.

Conditions:
Hemorrhage, intracerebral, susceptibility to (ICH). Also called: Stroke, hemorrhagic, susceptibility to. Identifiers: MedGen C3281105, MONDO:0100533, OMIM 614519.
Microvascular complications of diabetes, susceptibility to, 3. Identifiers: MedGen C2675470, MONDO:0012963, OMIM 612624.
Renal tubular dysgenesis of genetic origin. Also called: PRIMITIVE RENAL TUBULE SYNDROME. Identifiers: Orphanet 97369, MedGen C5681536, MONDO:0009970, OMIM 267430.
ACE-related disorder. Also called: ACE-related disorders; ACE-related condition.

Submissions (6):

GeneDx
Classification: Pathogenic. Last evaluated: 2026-03-03. Review status: criteria provided, single submitter. Criteria: GeneDx Variant Classification Process June 2021. Collection method: clinical testing. Allele origin: germline.
Comment: Frameshift variant predicted to result in protein truncation or nonsense mediated decay in a gene for which loss of function is a known mechanism of disease; Published functional studies demonstrate a damaging effect: impaired mutant protein subcellular localization and enzyme activity; described as G1145AX using alternate nomenclature (PMID: 24163131); This variant is associated with the following publications: (PMID: 27241786, 25899979, 22095942, 24163131)

Labcorp Genetics (formerly Invitae), Labcorp
Classification: Uncertain significance. Last evaluated: 2025-07-13. Review status: criteria provided, single submitter. Criteria: Invitae Variant Classification Sherloc (09022015). Collection method: clinical testing. Allele origin: germline.
Comment: This sequence change creates a premature translational stop signal (p.Gly1174Alafs*12) in the ACE gene. It is expected to result in an absent or disrupted protein product. Loss-of-function variants in ACE are known to be pathogenic (PMID: 22095942). This variant is present in population databases (rs754265941, gnomAD 0.3%), and has an allele count higher than expected for a pathogenic variant. This premature translational stop signal has been observed in individual(s) with renal tubular dysgenesis (PMID: 22095942, 25899979). ClinVar contains an entry for this variant (Variation ID: 998355). In summary, the available evidence is currently insufficient to determine the role of this variant in disease. Therefore, it has been classified as a Variant of Uncertain Significance.

Fulgent Genetics
Classification: Likely pathogenic for Renal tubular dysgenesis of genetic origin; Microvascular complications of diabetes, susceptibility to, 3; Hemorrhage, intracerebral, susceptibility to. Last evaluated: 2024-03-19. Review status: criteria provided, single submitter. Criteria: ACMG Guidelines, 2015. Collection method: clinical testing. Allele origin: germline.

Blueprint Genetics
Classification: Pathogenic for ACE-related disorders. Last evaluated: 2023-11-23. Review status: criteria provided, single submitter. Criteria: ACMG Guidelines, 2015. Collection method: clinical testing. Allele origin: germline. Affected: yes. Observed: 5 variant alleles.

Baylor Genetics
Classification: Pathogenic for Hemorrhage, intracerebral, susceptibility to. Last evaluated: 2018-07-29. Review status: criteria provided, single submitter. Criteria: ACMG Guidelines, 2015. Collection method: clinical testing. Allele origin: maternal. Affected: yes.
Comment: This variant was determined to be pathogenic according to ACMG Guidelines, 2015 [PMID:25741868].

PreventionGenetics, part of Exact Sciences
Classification: Pathogenic for ACE-related condition. Last evaluated: 2024-01-01. Review status: no assertion criteria provided. Collection method: clinical testing. Allele origin: germline. Not counted in ClinVar's aggregate classification.
Comment: The ACE c.3521delG variant is predicted to result in a frameshift and premature protein termination (p.Gly1174Alafs*12). This variant has been reported in the homozygous or compound heterozygous state in individuals with renal tubular dysgenesis (Gribouval et al. 2012. PubMed ID: 22095942; reported as G1145AfsX12 in Michaud et al. 2014. PubMed ID: 24163131; Richer et al. 2015. PubMed ID: 25899979; Daoud et al. 2016. PubMed ID: 27241786). This variant is reported in 0.26% of alleles in individuals of European (Finnish) descent in gnomAD. Frameshift variants in ACE are expected to be pathogenic. This variant is interpreted as pathogenic.

Literature cited by the submitters: PubMed 22095942 (cited by Labcorp Genetics (formerly Invitae), Labcorp); PubMed 25899979 (cited by Labcorp Genetics (formerly Invitae), Labcorp).